The following is an entry in ClinVar:

NM_001163435.3(TBCK):c.67G>A (p.Val23Ile)

Gene: TBCK (TBC1 domain containing kinase; minus strand). Cytogenetic location: 4q24.
Variant type: single nucleotide variant.
Coding change: c.67G>A on transcript NM_001163435.3 (MANE Select); coding-DNA position 67, G replaced by A.
Protein change: p.Val23Ile; replaces valine 23 with isoleucine.
Molecular consequence: missense variant. On other transcripts: 5 prime UTR variant (1).
Genome position (GRCh38, 1-based): chr4:106,308,894, C>T on the plus strand (G>A on the coding strand, the complement: TBCK is on the minus strand). VCF-style: chr4-106308894-C-T. GRCh37 (hg19) VCF-style: chr4-107230051-C-T.
Other names: c.67G>A, p.Val23Ile (NM_001163436.4, NM_001163437.3, NM_033115.5); c.-551G>A (NM_001290768.2); short protein forms V23I.
Identifiers: ClinVar variation 2167582 (VCV002167582.3), dbSNP rs745914978, ClinGen allele CA3035547.
Genomic context (GRCh38, chr4:106,308,894, plus strand): 5'-GAAAGCGCCCTAAAATTTTGATGGAATTTGGTGTGAGAGGAAGTCCATTGCTTCCACAAA[C>T]ATCATGTGGCAGAGCCGAGGCAAAGAAGGTAAAGGCTCCCATTTCAGCGTCCTTCAGGGG-3'
Protein context (NP_001156907.2, residues 13-33): TFFASALPHD[Val23Ile]CGSNGLPLTP

ClinVar aggregate classification (germline): Uncertain significance (1 of 4 stars; one submission).

Allele frequency attached by ClinVar (database versions not stated): ExAC 0.00001; gnomAD 0.00001; gnomAD exomes 0.00002.
gnomAD v4.1: 31 of 1,614,004 alleles (0.0019%); highest among the groups gnomAD compares: Admixed American, 0.0033%; no homozygotes.

Submission:

Labcorp Genetics (formerly Invitae), Labcorp
Classification: Uncertain significance. Last evaluated: 2024-10-16. Review status: criteria provided, single submitter. Criteria: Invitae Variant Classification Sherloc (09022015). Collection method: clinical testing. Allele origin: germline.
Comment: This sequence change replaces valine, which is neutral and non-polar, with isoleucine, which is neutral and non-polar, at codon 23 of the TBCK protein (p.Val23Ile). This variant is present in population databases (rs745914978, gnomAD 0.006%). This variant has not been reported in the literature in individuals affected with TBCK-related conditions. ClinVar contains an entry for this variant (Variation ID: 2167582). Invitae Evidence Modeling of protein sequence and biophysical properties (such as structural, functional, and spatial information, amino acid conservation, physicochemical variation, residue mobility, and thermodynamic stability) indicates that this missense variant is not expected to disrupt TBCK protein function with a negative predictive value of 80%. In summary, the available evidence is currently insufficient to determine the role of this variant in disease. Therefore, it has been classified as a Variant of Uncertain Significance.